The following is an entry in ClinVar:

NM_001378024.1(ARHGAP32):c.2124T>C (p.Gly708=)

Gene: ARHGAP32 (Rho GTPase activating protein 32; minus strand). Cytogenetic location: 11q24.3.
Variant type: single nucleotide variant.
Coding change: c.2124T>C on transcript NM_001378024.1 (MANE Select); coding-DNA position 2124, T replaced by C.
Protein change: p.Gly708=; no amino-acid change (glycine 708 retained).
Molecular consequence: synonymous variant.
Genome position (GRCh38, 1-based): chr11:128,976,633, A>G on the plus strand (T>C on the coding strand, the complement: ARHGAP32 is on the minus strand). VCF-style: chr11-128976633-A-G. GRCh37 (hg19) VCF-style: chr11-128846528-A-G.
Other names: c.2082T>C, p.Gly694= (NM_001142685.2); c.1962T>C, p.Gly654= (NM_001378025.1); c.1035T>C, p.Gly345= (NM_014715.4).
Identifiers: ClinVar variation 3040465 (VCV003040465.2), dbSNP rs146345062, ClinGen allele CA6359019.
Genomic context (GRCh38, chr11:128,976,633, plus strand): 5'-ATGGAGAGATGTAAGAGACTCCTCACTTTTAGCTGAACGGAGGGTTCCTTCTGCCCTGCC[A>G]CCTGAAGAATAAAAAACACATAGTGTGAAGATTTCTTATTTGTTACATATGTGGTTAATG-3'
Protein context (NP_001364953.1, residues 698-718): PSEMKAMALK[Gly708=]GRAEGTLRSA

ClinVar aggregate classification (germline): Likely benign (0 of 4 stars; one submission).

Conditions:
ARHGAP32-related disorder. Also called: ARHGAP32-related condition.

Allele frequency attached by ClinVar (database versions not stated): ExAC 0.00004; gnomAD exomes 0.00004; gnomAD 0.00016; TOPMed 0.00018; ESP Exome Variant Server 0.00023; 1000 Genomes Project 30x 0.00031; 1000 Genomes Project 0.00040.
gnomAD v4.1: 83 of 1,613,486 alleles (0.0051%); highest among the groups gnomAD compares: Middle Eastern, 0.17%; 1 homozygote.

Submission:

PreventionGenetics, part of Exact Sciences
Classification: Likely benign for ARHGAP32-related condition. Last evaluated: 2019-03-12. Review status: no assertion criteria provided. Collection method: clinical testing. Allele origin: germline.
Comment: This variant is classified as likely benign based on ACMG/AMP sequence variant interpretation guidelines (Richards et al. 2015 PMID: 25741868, with internal and published modifications).